The following is an entry in ClinVar:

NM_000384.3(APOB):c.7865C>T (p.Thr2622Ile)

Gene: APOB (apolipoprotein B; minus strand). Cytogenetic location: 2p24.1.
Variant type: single nucleotide variant.
Coding change: c.7865C>T on transcript NM_000384.3 (MANE Select); coding-DNA position 7865, C replaced by T.
Protein change: p.Thr2622Ile; replaces threonine 2622 with isoleucine.
Molecular consequence: missense variant.
Genome position (GRCh38, 1-based): chr2:21,009,003, G>A on the plus strand (C>T on the coding strand, the complement: APOB is on the minus strand). VCF-style: chr2-21009003-G-A. GRCh37 (hg19) VCF-style: chr2-21231875-G-A.
Other names: short protein forms T2622I.
Identifiers: ClinVar variation 4862605 (VCV004862605.2).
Genomic context (GRCh38, chr2:21,009,003, plus strand): 5'-GGGATTTTTATATTTTTTAAGTCTTTGAAGTTTATCTGAACTGATGGAATCCTCAAATCT[G>A]TTAGGGGGACTATAAAATCAGGTGTCTGGAAGGTAGCTTTCTGAAGAGCCTGAAGACTGA-3'
Protein context (NP_000375.3, residues 2612-2632): FQTPDFIVPL[Thr2622Ile]DLRIPSVQIN

ClinVar aggregate classification (germline): Uncertain significance. Review status: criteria provided, multiple submitters, no conflicts (2 of 4 stars). 2 submissions from 2 submitters: Uncertain significance (2). Last evaluated 2026-04-20.

Conditions:
Cardiovascular phenotype. Identifiers: MedGen CN230736.

Submissions (2):

Ambry Genetics
Classification: Uncertain significance for Cardiovascular phenotype. Last evaluated: 2026-04-20. Review status: criteria provided, single submitter. Criteria: Ambry Variant Classification Scheme 2023. Collection method: clinical testing. Allele origin: germline.
Comment: The p.T2622I variant (also known as c.7865C>T), located in coding exon 26 of the APOB gene, results from a C to T substitution at nucleotide position 7865. The threonine at codon 2622 is replaced by isoleucine, an amino acid with similar properties. This amino acid position is conserved. In addition, this alteration is predicted to be tolerated by in silico analysis. Based on the available evidence, the clinical significance of this variant remains unclear.

GeneDx
Classification: Uncertain significance. Last evaluated: 2026-04-04. Review status: criteria provided, single submitter. Criteria: GeneDx Variant Classification Process June 2021. Collection method: clinical testing. Allele origin: germline.
Comment: Not observed at significant frequency in large population cohorts (gnomAD); In silico analysis supports that this missense variant has a deleterious effect on protein structure/function; Has not been previously published as pathogenic or benign to our knowledge